The following is an entry in ClinVar:

ClinVar aggregate classification (germline): Uncertain significance. Review status: criteria provided, multiple submitters, no conflicts (2 of 4 stars). 2 submissions from 2 submitters: Uncertain significance (2). Last evaluated 2025-10-23.

Conditions:
Inborn genetic diseases. Identifiers: MedGen C0950123, MeSH D030342.

Allele frequency attached by ClinVar (database versions not stated): gnomAD 0.00001.
gnomAD v4.1: 26 of 1,613,684 alleles (0.0016%); highest among the groups gnomAD compares: South Asian, 0.0033%; no homozygotes.

Submissions (2):

Ambry Genetics
Classification: Uncertain significance for Inborn genetic diseases. Last evaluated: 2025-10-23. Review status: criteria provided, single submitter. Criteria: Ambry Variant Classification Scheme 2023. Collection method: clinical testing. Allele origin: germline.

Labcorp Genetics (formerly Invitae), Labcorp
Classification: Uncertain significance. Last evaluated: 2023-05-08. Review status: criteria provided, single submitter. Criteria: Invitae Variant Classification Sherloc (09022015). Collection method: clinical testing. Allele origin: germline.
Comment: In summary, the available evidence is currently insufficient to determine the role of this variant in disease. Therefore, it has been classified as a Variant of Uncertain Significance. Advanced modeling of protein sequence and biophysical properties (such as structural, functional, and spatial information, amino acid conservation, physicochemical variation, residue mobility, and thermodynamic stability) performed at Invitae indicates that this missense variant is not expected to disrupt PIGL protein function. ClinVar contains an entry for this variant (Variation ID: 2160620). This variant has not been reported in the literature in individuals affected with PIGL-related conditions. This variant is present in population databases (rs777960192, gnomAD 0.002%). This sequence change replaces valine, which is neutral and non-polar, with methionine, which is neutral and non-polar, at codon 210 of the PIGL protein (p.Val210Met).

NM_004278.4(PIGL):c.628G>A (p.Val210Met)

Gene: PIGL (phosphatidylinositol glycan anchor biosynthesis class L; plus strand). Cytogenetic location: 17p11.2.
Variant type: single nucleotide variant.
Coding change: c.628G>A on transcript NM_004278.4 (MANE Select); coding-DNA position 628, G replaced by A.
Protein change: p.Val210Met; replaces valine 210 with methionine.
Molecular consequence: missense variant.
Genome position (GRCh38, 1-based): chr17:16,317,876, G>A. VCF-style: chr17-16317876-G-A. GRCh37 (hg19) VCF-style: chr17-16221190-G-A.
Other names: c.596G>A, p.Arg199His (NM_001411072.1); c.628G>A (NM_004278.3); short protein forms V210M, R199H.
Identifiers: ClinVar variation 2160620 (VCV002160620.5), dbSNP rs777960192, ClinGen allele CA8410002.